The following is an entry in ClinVar:

NM_001374736.1(DST):c.23106A>G (p.Pro7702=)

Gene: DST (dystonin; minus strand). Cytogenetic location: 6p12.1.
Variant type: single nucleotide variant.
Coding change: c.23106A>G on transcript NM_001374736.1 (MANE Select); coding-DNA position 23106, A replaced by G.
Protein change: p.Pro7702=; no amino-acid change (proline 7702 retained).
Molecular consequence: synonymous variant.
Genome position (GRCh38, 1-based): chr6:56,460,219, T>C on the plus strand (A>G on the coding strand, the complement: DST is on the minus strand). VCF-style: chr6-56460219-T-C. GRCh37 (hg19) VCF-style: chr6-56325017-T-C.
Other names: c.16677A>G, p.Pro5559= (NM_001144769.5); c.16263A>G, p.Pro5421= (NM_001144770.2); c.23034A>G, p.Pro7678= (NM_001374722.1); c.22035A>G, p.Pro7345= (NM_001374729.1); c.15777A>G, p.Pro5259= (NM_001374730.1); c.23061A>G, p.Pro7687= (NM_001374734.1); c.16125A>G, p.Pro5375= (NM_001386100.1); c.15165A>G, p.Pro5055= (NM_015548.5); and 1 more.
Identifiers: ClinVar variation 3388572 (VCV003388572.14).

ClinVar aggregate classification (germline): Likely benign (1 of 4 stars; one submission).

gnomAD v4.1: 1 of 1,614,010 alleles (0.000062%); highest among the groups gnomAD compares: Middle Eastern, 0.016%; no homozygotes.

Submission:

CeGaT Center for Human Genetics Tuebingen
Classification: Likely benign. Last evaluated: 2024-09-01. Review status: criteria provided, single submitter. Criteria: CeGaT Center For Human Genetics Tuebingen Variant Classification Criteria Version 2. Collection method: clinical testing. Allele origin: germline. Affected: yes. Observed: 1 variant allele.
Comment: DST: BP4, BP7